The following is an entry in ClinVar:

ClinVar aggregate classification (germline): Conflicting classifications of pathogenicity. Review status: criteria provided, conflicting classifications (1 of 4 stars). 7 submissions from 6 submitters: Uncertain significance (1); Benign (3); Likely benign (3). Last evaluated 2025-12-11.

Conditions:
VACTERL association, X-linked, with or without hydrocephalus (VACTERLX). Also called: VACTERL Association with Hydrocephalus, X-linked; VACTERL-H, X-LINKED; X-linked VACTERL-H syndrome; VACTERL ASSOCIATION, X-LINKED. Identifiers: Orphanet 3412, MedGen C2931228, MONDO:0010752, OMIM 314390.
Fanconi anemia (FA). Also called: Fanconi's anemia. Identifiers: Orphanet 84, MedGen C0015625, MeSH D005199, MONDO:0019391.
Fanconi anemia complementation group B (FANCB). Also called: FANCONI PANCYTOPENIA, TYPE 2; FANCB-Related Fanconi Anemia. Identifiers: Orphanet 84, MedGen C1845292, MONDO:0010351, OMIM 300514.

Allele frequency attached by ClinVar (database versions not stated): 1000 Genomes Project 30x 0.00021; 1000 Genomes Project 0.00026; gnomAD 0.00029 and 0.00031; TOPMed 0.00031; gnomAD exomes 0.00039; ESP Exome Variant Server 0.00047; ExAC 0.00061.
gnomAD v4.1: 432 of 1,188,001 alleles (0.036%); highest among the groups gnomAD compares: Non-Finnish European, 0.045%; no homozygotes.

Submissions (7):

Labcorp Genetics (formerly Invitae), Labcorp
Classification: Benign for Fanconi anemia. Last evaluated: 2025-12-11. Review status: criteria provided, single submitter. Criteria: Invitae Variant Classification Sherloc (09022015). Collection method: clinical testing. Allele origin: germline.

Blueprint Genetics
Classification: Likely benign. Last evaluated: 2024-06-24. Review status: criteria provided, single submitter. Criteria: ACMG Guidelines, 2015. Collection method: clinical testing. Allele origin: germline.

Sema4
Classification: Likely benign for Fanconi anemia. Last evaluated: 2022-03-14. Review status: criteria provided, single submitter. Criteria: Sema4 Curation Guidelines. Collection method: curation. Allele origin: germline.

CeGaT Center for Human Genetics Tuebingen
Classification: Likely benign. Last evaluated: 2021-01-01. Review status: criteria provided, single submitter. Criteria: CeGaT Center For Human Genetics Tuebingen Variant Classification Criteria Version 2. Collection method: clinical testing. Allele origin: germline. Affected: yes. Observed: 2 variant alleles.

Illumina Laboratory Services, Illumina
Classification: Benign for Fanconi anemia complementation group B. Last evaluated: 2018-01-13. Review status: criteria provided, single submitter. Criteria: ICSL Variant Classification Criteria 13 December 2019. Collection method: clinical testing. Allele origin: germline.
Comment: This variant was observed in the ICSL laboratory as part of a predisposition screen in an ostensibly healthy population. It had not been previously curated by ICSL or reported in the Human Gene Mutation Database (HGMD: prior to June 1st, 2018), and was therefore a candidate for classification through an automated scoring system. Utilizing variant allele frequency, disease prevalence and penetrance estimates, and inheritance mode, an automated score was calculated to assess if this variant is too frequent to cause the disease. Based on the score and internal cut-off values, a variant classified as benign is not then subjected to further curation. The score for this variant resulted in a classification of benign for this disease.

Illumina Laboratory Services, Illumina
Classification: Benign for VACTERL association with hydrocephaly, X-linked. Last evaluated: 2018-01-13. Review status: criteria provided, single submitter. Criteria: ICSL Variant Classification Criteria 13 December 2019. Collection method: clinical testing. Allele origin: germline.
Comment: the same text as in the submission from Illumina Laboratory Services, Illumina above.

Eurofins Ntd Llc (ga)
Classification: Uncertain significance. Last evaluated: 2014-07-03. Review status: criteria provided, single submitter. Criteria: EGL Classification Definitions 2015. Collection method: clinical testing. Allele origin: germline. Observed: 1 variant allele, 1 hemizygote.

NM_001018113.3(FANCB):c.1371C>T (p.Val457=)

Gene: FANCB (FA complementation group B; minus strand). Cytogenetic location: Xp22.2.
Variant type: single nucleotide variant.
Coding change: c.1371C>T on transcript NM_001018113.3 (MANE Select); coding-DNA position 1371, C replaced by T.
Protein change: p.Val457=; no amino-acid change (valine 457 retained).
Molecular consequence: synonymous variant.
Genome position (GRCh38, 1-based): chrX:14,850,630, G>A on the plus strand (C>T on the coding strand, the complement: FANCB is on the minus strand). VCF-style: chrX-14850630-G-A. GRCh37 (hg19) VCF-style: chrX-14868752-G-A.
Other names: c.1371C>T, p.Val457= (NM_001324162.2, NM_152633.4).
Identifiers: ClinVar variation 198442 (VCV000198442.63), dbSNP rs149695930, ClinGen allele CA247093.